The following is an entry in ClinVar:

NM_153614.4(DNAJB13):c.901C>T (p.Arg301Cys)

Gene: DNAJB13 (DnaJ heat shock protein family (Hsp40) member B13; plus strand). Cytogenetic location: 11q13.4.
Variant type: single nucleotide variant.
Coding change: c.901C>T on transcript NM_153614.4 (MANE Select); coding-DNA position 901, C replaced by T.
Protein change: p.Arg301Cys; replaces arginine 301 with cysteine.
Molecular consequence: missense variant.
Genome position (GRCh38, 1-based): chr11:73,970,064, C>T. VCF-style: chr11-73970064-C-T. GRCh37 (hg19) VCF-style: chr11-73681109-C-T.
Other names: c.727C>T, p.Arg243Cys (NM_001377263.1); c.901C>T (NM_153614.3, NM_153614.2); short protein forms R243C, R301C.
Identifiers: ClinVar variation 1406487 (VCV001406487.5), dbSNP rs138824892, ClinGen allele CA6180932.
Genomic context (GRCh38, chr11:73,970,064, plus strand): 5'-CCGGAGGACCCCACTAAGAAAGGGGATCTCTTCATCTTCTTCGACATCCAGTTCCCCACC[C>T]GCCTCACACCCCAGAAGAAGCAGATGCTGCGCCAGGCATTGCTGACATGACTGTGGTGGG-3'
Protein context (NP_705842.2, residues 291-311): FIFFDIQFPT[Arg301Cys]LTPQKKQMLR

ClinVar aggregate classification (germline): Uncertain significance. Review status: criteria provided, multiple submitters, no conflicts (2 of 4 stars). 3 submissions from 3 submitters: Uncertain significance (3). Last evaluated 2025-06-25.

Allele frequency attached by ClinVar (database versions not stated): gnomAD 0.00003 and 0.00001; ESP Exome Variant Server 0.00008; 1000 Genomes Project 0.00020; 1000 Genomes Project 30x 0.00031.
gnomAD v4.1: 50 of 1,610,984 alleles (0.0031%); highest among the groups gnomAD compares: South Asian, 0.034%; no homozygotes.

Submissions (3):

Ambry Genetics
Classification: Uncertain significance. Last evaluated: 2025-06-25. Review status: criteria provided, single submitter. Criteria: Ambry Variant Classification Scheme 2023. Collection method: clinical testing. Allele origin: germline.

GeneDx
Classification: Uncertain significance. Last evaluated: 2023-01-30. Review status: criteria provided, single submitter. Criteria: GeneDx Variant Classification Process June 2021. Collection method: clinical testing. Allele origin: germline. Affected: yes.
Comment: In silico analysis supports that this missense variant has a deleterious effect on protein structure/function; Has not been previously published as pathogenic or benign to our knowledge

Labcorp Genetics (formerly Invitae), Labcorp
Classification: Uncertain significance. Last evaluated: 2021-09-15. Review status: criteria provided, single submitter. Criteria: Invitae Variant Classification Sherloc (09022015). Collection method: clinical testing. Allele origin: germline.
Comment: In summary, the available evidence is currently insufficient to determine the role of this variant in disease. Therefore, it has been classified as a Variant of Uncertain Significance. Algorithms developed to predict the effect of missense changes on protein structure and function output the following: SIFT: "Deleterious"; PolyPhen-2: "Benign"; Align-GVGD: "Class C0". The cysteine amino acid residue is found in multiple mammalian species, which suggests that this missense change does not adversely affect protein function. This variant has not been reported in the literature in individuals affected with DNAJB13-related conditions. This variant is present in population databases (rs138824892, ExAC 0.04%). This sequence change replaces arginine with cysteine at codon 301 of the DNAJB13 protein (p.Arg301Cys). The arginine residue is moderately conserved and there is a large physicochemical difference between arginine and cysteine.